The following is an entry in ClinVar:

NM_000069.3(CACNA1S):c.2884A>G (p.Lys962Glu)

Gene: CACNA1S (calcium voltage-gated channel subunit alpha1 S; minus strand). Cytogenetic location: 1q32.1.
Variant type: single nucleotide variant.
Coding change: c.2884A>G on transcript NM_000069.3 (MANE Select); coding-DNA position 2884, A replaced by G.
Protein change: p.Lys962Glu; replaces lysine 962 with glutamic acid.
Molecular consequence: missense variant.
Genome position (GRCh38, 1-based): chr1:201,062,484, T>C on the plus strand (A>G on the coding strand, the complement: CACNA1S is on the minus strand). VCF-style: chr1-201062484-T-C. GRCh37 (hg19) VCF-style: chr1-201031612-T-C.
Other names: short protein forms K962E.
Identifiers: ClinVar variation 1061126 (VCV001061126.12), dbSNP rs200300308, ClinGen allele CA079359.
Genomic context (GRCh38, chr1:201,062,484, plus strand): 5'-CCCCGTGACCGTCCCACTGTGCTCCCTGCCCCATGTACCTGCACTCCTCCTCTGTCATCT[T>C]GGACAAGTCGGTGCACCTGAAGAACTTCCCCTGCAGCCAGGAAGAGGGAGGGAGGGAGGG-3'
Protein context (NP_000060.2, residues 952-972): GKFFRCTDLS[Lys962Glu]MTEEECRGYY

ClinVar aggregate classification (germline): Conflicting classifications of pathogenicity. Review status: criteria provided, conflicting classifications (1 of 4 stars). 3 submissions from 3 submitters: Uncertain significance (2); Likely benign (1). Last evaluated 2025-03-16.

Conditions:
Hypokalemic periodic paralysis, type 1. Also called: Hypokalemic Periodic Paralysis Type 1 (AD); HypoPP. Identifiers: Orphanet 681, MedGen C3714580, MONDO:0042979, OMIM 170400.
Malignant hyperthermia, susceptibility to, 5 (MHS5). Also called: CACNA1S-Related Malignant Hyperthermia Susceptibility. Identifiers: Orphanet 423, MedGen C1866077, MONDO:0011163, OMIM 601887.

Allele frequency attached by ClinVar (database versions not stated): gnomAD 0.00001; gnomAD exomes 0.00001 and 0.00003; ExAC 0.00003; 1000 Genomes Project 30x 0.00016; 1000 Genomes Project 0.00020.
gnomAD v4.1: 15 of 1,609,010 alleles (0.00093%); highest among the groups gnomAD compares: East Asian, 0.02%; no homozygotes.

Submissions (3):

Labcorp Genetics (formerly Invitae), Labcorp
Classification: Likely benign for Hypokalemic periodic paralysis, type 1; Malignant hyperthermia, susceptibility to, 5. Last evaluated: 2025-03-16. Review status: criteria provided, single submitter. Criteria: Invitae Variant Classification Sherloc (09022015). Collection method: clinical testing. Allele origin: germline.

All of Us Research Program, National Institutes of Health
Classification: Uncertain significance for Malignant hyperthermia, susceptibility to, 5. Last evaluated: 2024-09-23. Review status: criteria provided, single submitter. Criteria: ACMG Guidelines, 2015. Collection method: clinical testing. Allele origin: germline. Inheritance: Autosomal dominant inheritance. Observed: 2 variant alleles, 2 heterozygotes.
Comment: This missense variant replaces lysine with glutamic acid at codon 962 of the CACNA1S protein. Computational prediction suggests that this variant may have deleterious impact on protein structure and function (internally defined REVEL score threshold >= 0.7, PMID: 27666373). To our knowledge, functional studies have not been reported for this variant. This variant has not been reported in individuals affected with CACNA1S-related disorders in the literature. This variant has not been identified in the general population by the Genome Aggregation Database (gnomAD). The available evidence is insufficient to determine the role of this variant in disease conclusively. Therefore, this variant is classified as a Variant of Uncertain Significance.

This study involves interpretation of variants in research participants for the purpose of population health screening. Participant phenotype was not available at the time of variant classification. Additional details can be found in publication PMID: 35346344, PMCID: PMC8962531

Color Diagnostics, LLC DBA Color Health
Classification: Uncertain significance for Malignant hyperthermia, susceptibility to, 5. Last evaluated: 2023-06-28. Review status: criteria provided, single submitter. Criteria: ACMG Guidelines, 2015. Collection method: clinical testing. Allele origin: germline.
Comment: This missense variant replaces lysine with glutamic acid at codon 962 of the CACNA1S protein. Computational prediction suggests that this variant may have deleterious impact on protein structure and function. To our knowledge, functional studies have not been reported for this variant. This variant has not been reported in individuals affected with CACNA1S-related disorders in the literature. This variant has not been identified in the general population by the Genome Aggregation Database (gnomAD). The available evidence is insufficient to determine the role of this variant in disease conclusively. Therefore, this variant is classified as a Variant of Uncertain Significance.